The following is an entry in ClinVar:

ClinVar aggregate classification (germline): Uncertain significance. Review status: criteria provided, multiple submitters, no conflicts (2 of 4 stars). 3 submissions from 3 submitters: Uncertain significance (3). Last evaluated 2026-05-01.

Conditions:
GP1BA-related disorder. Also called: GP1BA-related condition.

Submissions (3):

CeGaT Center for Human Genetics Tuebingen
Classification: Uncertain significance. Last evaluated: 2026-05-01. Review status: criteria provided, single submitter. Criteria: CeGaT Center For Human Genetics Tuebingen Variant Classification Criteria Version 2. Collection method: clinical testing. Allele origin: germline. Affected: yes. Observed: 1 variant allele.
Comment: GP1BA: PM2, BP4

Mayo Clinic Laboratories, Mayo Clinic
Classification: Uncertain significance. Last evaluated: 2025-11-14. Review status: criteria provided, single submitter. Criteria: ACMG Guidelines, 2015. Collection method: clinical testing. Allele origin: germline. Observed: 1 variant allele.
Comment: BP4_moderate

PreventionGenetics, part of Exact Sciences
Classification: Uncertain significance for GP1BA-related condition. Last evaluated: 2025-09-23. Review status: criteria provided, single submitter. Criteria: ACMG Guidelines, 2015. Collection method: clinical testing. Allele origin: germline.
Comment: The GP1BA c.499G>C variant is predicted to result in the amino acid substitution p.Glu167Gln. To our knowledge, this variant has not been reported in the literature. This variant is reported in 0.0080% of alleles in individuals of European (Non-Finnish) descent in gnomAD. At this time, the clinical significance of this variant is uncertain due to the absence of conclusive functional and genetic evidence.

NM_000173.7(GP1BA):c.499G>C (p.Glu167Gln)

Gene: GP1BA (glycoprotein Ib platelet subunit alpha; plus strand). Cytogenetic location: 17p13.2.
Variant type: single nucleotide variant.
Coding change: c.499G>C on transcript NM_000173.7 (MANE Select); coding-DNA position 499, G replaced by C.
Protein change: p.Glu167Gln; replaces glutamic acid 167 with glutamine.
Molecular consequence: missense variant.
Genome position (GRCh38, 1-based): chr17:4,933,103, G>C. VCF-style: chr17-4933103-G-C. GRCh37 (hg19) VCF-style: chr17-4836398-G-C.
Other names: p.Glu167Gln; c.499G>C (NM_000173.6); short protein forms E167Q.
Identifiers: ClinVar variation 4542112 (VCV004542112.4).